The following is an entry in ClinVar:

NM_024598.4(USB1):c.71C>T (p.Thr24Ile)

Genes: USB1 (U6 snRNA biogenesis phosphodiesterase 1; plus strand), LOC130059131 (ATAC-STARR-seq lymphoblastoid active region 10920; plus strand). Cytogenetic location: 16q21.
Variant type: single nucleotide variant.
Coding change: c.71C>T on transcript NM_024598.4 (MANE Select); coding-DNA position 71, C replaced by T.
Protein change: p.Thr24Ile; replaces threonine 24 with isoleucine.
Molecular consequence: missense variant. On other transcripts: intron variant (1).
Genome position (GRCh38, 1-based): chr16:58,001,554, C>T. VCF-style: chr16-58001554-C-T. GRCh37 (hg19) VCF-style: chr16-58035458-C-T.
Other names: c.71C>T, p.Thr24Ile (NM_001195302.2, NM_001204911.2, NM_001330569.2); c.-55-925C>T (NM_001330568.2); short protein forms T24I.
Identifiers: ClinVar variation 3813883 (VCV003813883.1).
Genomic context (GRCh38, chr16:58,001,554, plus strand): 5'-CGCCCCTGGTGGGCTACAGCAGCAGCGGCTCCGAGGATGAGTCCGAGGACGGGATGCGGA[C>T]CAGGCCGGGGGATGGGAGCCACCGTCGGTGAGGAGTGAGGAAGTCTCTCCGGAGGGCGCG-3'
Protein context (NP_078874.2, residues 14-34): SEDESEDGMR[Thr24Ile]RPGDGSHRRG

ClinVar aggregate classification (germline): Uncertain significance (1 of 4 stars; one submission).

Conditions:
Inborn genetic diseases. Identifiers: MedGen C0950123, MeSH D030342.

gnomAD v4.1: 3 of 1,609,340 alleles (0.00019%); highest among the groups gnomAD compares: Non-Finnish European, 0.00025%; no homozygotes.

Submission:

Ambry Genetics
Classification: Uncertain significance for Inborn genetic diseases. Last evaluated: 2025-01-25. Review status: criteria provided, single submitter. Criteria: Ambry Variant Classification Scheme 2023. Collection method: clinical testing. Allele origin: germline.
Comment: The p.T24I variant (also known as c.71C>T), located in coding exon 1 of the USB1 gene, results from a C to T substitution at nucleotide position 71. The threonine at codon 24 is replaced by isoleucine, an amino acid with similar properties. This amino acid position is conserved. In addition, this alteration is predicted to be tolerated by in silico analysis. Based on the available evidence, the clinical significance of this variant remains unclear.